The following is an entry in ClinVar:

ClinVar aggregate classification (germline): Pathogenic (1 of 4 stars; one submission).

Allele frequency attached by ClinVar (database versions not stated): gnomAD exomes below 0.00001; gnomAD 0.00001.

Submission:

Labcorp Genetics (formerly Invitae), Labcorp
Classification: Pathogenic. Last evaluated: 2022-06-23. Review status: criteria provided, single submitter. Criteria: Invitae Variant Classification Sherloc (09022015). Collection method: clinical testing. Allele origin: germline.
Comment: This variant is present in population databases (no rsID available, gnomAD 0.003%). For these reasons, this variant has been classified as Pathogenic. This variant has not been reported in the literature in individuals affected with LZTFL1-related conditions. This sequence change creates a premature translational stop signal (p.Gln86*) in the LZTFL1 gene. It is expected to result in an absent or disrupted protein product. Loss-of-function variants in LZTFL1 are known to be pathogenic (PMID: 22510444, 23692385).

Literature cited by the submitters: PubMed 22510444; PubMed 23692385.

NM_020347.4(LZTFL1):c.256C>T (p.Gln86Ter)

Gene: LZTFL1 (leucine zipper transcription factor like 1; minus strand). Cytogenetic location: 3p21.31.
Variant type: single nucleotide variant.
Coding change: c.256C>T on transcript NM_020347.4 (MANE Select); coding-DNA position 256, C replaced by T.
Protein change: p.Gln86Ter; replaces glutamine 86 with a stop codon.
Molecular consequence: nonsense. On other transcripts: non-coding transcript variant (1).
Genome position (GRCh38, 1-based): chr3:45,835,657, G>A on the plus strand (C>T on the coding strand, the complement: LZTFL1 is on the minus strand). VCF-style: chr3-45835657-G-A. GRCh37 (hg19) VCF-style: chr3-45877149-G-A.
Other names: c.205C>T, p.Gln69Ter (NM_001276378.2, NM_001386451.1, NM_001405922.1 and 4 more transcripts); c.244C>T, p.Gln82Ter (NM_001276379.2, NM_001405921.1); c.256C>T, p.Gln86Ter (NM_001386452.1, NM_001405924.1); c.280C>T, p.Gln94Ter (NM_001405920.1, NM_001405925.1); short protein forms Q82*, Q94*, Q69*, Q86*.
Identifiers: ClinVar variation 1960140 (VCV001960140.5), dbSNP rs1247421714, ClinGen allele CA352453729.